The following is an entry in ClinVar:

NM_000090.4(COL3A1):c.1079G>T (p.Gly360Val)

Gene: COL3A1 (collagen type III alpha 1 chain; plus strand). Cytogenetic location: 2q32.2.
Variant type: single nucleotide variant.
Coding change: c.1079G>T on transcript NM_000090.4 (MANE Select); coding-DNA position 1079, G replaced by T.
Protein change: p.Gly360Val; replaces glycine 360 with valine.
Molecular consequence: missense variant.
Genome position (GRCh38, 1-based): chr2:188,993,389, G>T. VCF-style: chr2-188993389-G-T. GRCh37 (hg19) VCF-style: chr2-189858115-G-T.
Other names: short protein forms G360V.
Identifiers: ClinVar variation 2073641 (VCV002073641.4), dbSNP rs2469126009, ClinGen allele CA349850851.

ClinVar aggregate classification (germline): Likely pathogenic (1 of 4 stars; one submission).

Conditions:
Ehlers-Danlos syndrome, type 4 (EDSVASC). Also called: Ehlers-Danlos syndrome vascular type; Ehlers Danlos syndrome, ecchymotic type; Ehlers Danlos syndrome, arterial type; Ehlers Danlos syndrome, Sack-Barabas type; Ehlers-Danlos Syndrome Type IV. Identifiers: Orphanet 286, MedGen C0268338, MONDO:0017314, OMIM 130050.

Submission:

Labcorp Genetics (formerly Invitae), Labcorp
Classification: Likely pathogenic for Ehlers-Danlos syndrome, type 4. Last evaluated: 2024-07-26. Review status: criteria provided, single submitter. Criteria: Invitae Variant Classification Sherloc (09022015). Collection method: clinical testing. Allele origin: germline.
Comment: This sequence change replaces glycine, which is neutral and non-polar, with valine, which is neutral and non-polar, at codon 360 of the COL3A1 protein (p.Gly360Val). This variant is not present in population databases (gnomAD no frequency). This missense change has been observed in individual(s) with clinical features of Ehlers-Danlos syndrome (Invitae). ClinVar contains an entry for this variant (Variation ID: 2073641). Advanced modeling of protein sequence and biophysical properties (such as structural, functional, and spatial information, amino acid conservation, physicochemical variation, residue mobility, and thermodynamic stability) performed at Invitae indicates that this missense variant is expected to disrupt COL3A1 protein function with a positive predictive value of 95%. This variant disrupts the triple helix domain of COL3A1. Glycine residues within the Gly-Xaa-Yaa repeats of the triple helix domain are required for the structure and stability of fibrillar collagens (PMID: 7695699, 8218237, 19344236). In COL3A1, variants that affect these glycine residues are significantly enriched in individuals with disease (PMID: 24922459, 25758994) compared to the general population (ExAC). In summary, the currently available evidence indicates that the variant is pathogenic, but additional data are needed to prove that conclusively. Therefore, this variant has been classified as Likely Pathogenic.

Literature cited by the submitters: PubMed 7695699; PubMed 8218237; PubMed 19344236; PubMed 24922459; PubMed 25758994.